The following is an entry in ClinVar:

ClinVar aggregate classification (germline): Uncertain significance (1 of 4 stars; one submission).

Submission:

Labcorp Genetics (formerly Invitae), Labcorp
Classification: Uncertain significance. Last evaluated: 2024-12-16. Review status: criteria provided, single submitter. Criteria: Invitae Variant Classification Sherloc (09022015). Collection method: clinical testing. Allele origin: germline.
Comment: This sequence change replaces glycine, which is neutral and non-polar, with glutamic acid, which is acidic and polar, at codon 193 of the KIF22 protein (p.Gly193Glu). This variant is not present in population databases (gnomAD no frequency). This variant has not been reported in the literature in individuals affected with KIF22-related conditions. ClinVar contains an entry for this variant (Variation ID: 2880130). Invitae Evidence Modeling of protein sequence and biophysical properties (such as structural, functional, and spatial information, amino acid conservation, physicochemical variation, residue mobility, and thermodynamic stability) indicates that this missense variant is not expected to disrupt KIF22 protein function with a negative predictive value of 80%. In summary, the available evidence is currently insufficient to determine the role of this variant in disease. Therefore, it has been classified as a Variant of Uncertain Significance.

NM_007317.3(KIF22):c.578G>A (p.Gly193Glu)

Gene: KIF22 (kinesin family member 22; plus strand). Cytogenetic location: 16p11.2.
Variant type: single nucleotide variant.
Coding change: c.578G>A on transcript NM_007317.3 (MANE Select); coding-DNA position 578, G replaced by A.
Protein change: p.Gly193Glu; replaces glycine 193 with glutamic acid.
Molecular consequence: missense variant.
Genome position (GRCh38, 1-based): chr16:29,799,003, G>A. VCF-style: chr16-29799003-G-A. GRCh37 (hg19) VCF-style: chr16-29810324-G-A.
Other names: c.374G>A, p.Gly125Glu (NM_001256269.2, NM_001256270.1); short protein forms G125E, G193E.
Identifiers: ClinVar variation 2880130 (VCV002880130.3), dbSNP rs2543273609, ClinGen allele CA395452329.
Genomic context (GRCh38, chr16:29,799,003, plus strand): 5'-AGAATTGCCCTTCCCCTTCACTGCTTACACAGGTATTAGACCTCCTGGACCCTGCTTCGG[G>A]AGACCTGGTAATCCGAGAAGACTGCCGGGGGAATATCCTGATTCCGGGTCTCTCCCAGAA-3'
Protein context (NP_015556.1, residues 183-203): KVLDLLDPAS[Gly193Glu]DLVIREDCRG